The following is an entry in ClinVar:

ClinVar aggregate classification (germline): Benign/Likely benign. Review status: criteria provided, multiple submitters, no conflicts (2 of 4 stars). 4 submissions from 4 submitters: Benign (2); Likely benign (1). 1 of the submissions does not count toward it. Last evaluated 2025-10-01.

Conditions:
PRPF3-related disorder. Also called: PRPF3-related condition.

Allele frequency attached by ClinVar (database versions not stated): gnomAD 0.00001; TOPMed 0.00001; gnomAD exomes 0.00004 and 0.00011; ExAC 0.00012; 1000 Genomes Project 30x 0.00016; 1000 Genomes Project 0.00020.
gnomAD v4.1: 63 of 1,611,436 alleles (0.0039%); highest among the groups gnomAD compares: South Asian, 0.059%; no homozygotes.

Submissions (4):

Labcorp Genetics (formerly Invitae), Labcorp
Classification: Benign. Last evaluated: 2025-10-01. Review status: criteria provided, single submitter. Criteria: Invitae Variant Classification Sherloc (09022015). Collection method: clinical testing. Allele origin: germline.

Blueprint Genetics
Classification: Likely benign. Last evaluated: 2024-11-18. Review status: criteria provided, single submitter. Criteria: ACMG Guidelines, 2015. Collection method: clinical testing. Allele origin: germline.

Breakthrough Genomics
Classification: Benign. Review status: criteria provided, single submitter. Criteria: ACMG Guidelines, 2015. Collection method: not provided. Allele origin: germline. Inheritance: Autosomal dominant inheritance. Affected: yes.

PreventionGenetics, part of Exact Sciences
Classification: Likely benign for PRPF3-related condition. Last evaluated: 2024-08-18. Review status: no assertion criteria provided. Collection method: clinical testing. Allele origin: germline. Not counted in ClinVar's aggregate classification.
Comment: This variant is classified as likely benign based on ACMG/AMP sequence variant interpretation guidelines (Richards et al. 2015 PMID: 25741868, with internal and published modifications).

NM_004698.4(PRPF3):c.1844-9C>A

Gene: PRPF3 (pre-mRNA processing factor 3; plus strand). Cytogenetic location: 1q21.2.
Variant type: single nucleotide variant.
Coding change: c.1844-9C>A on transcript NM_004698.4 (MANE Select); 9 bases into the intron before coding-DNA position 1844, C replaced by A.
Molecular consequence: intron variant.
Genome position (GRCh38, 1-based): chr1:150,349,148, C>A. VCF-style: chr1-150349148-C-A. GRCh37 (hg19) VCF-style: chr1-150321624-C-A.
Other names: c.1844-9C>A (NM_004698.2); c.1439-9C>A (NM_001350529.1).
Identifiers: ClinVar variation 1170023 (VCV001170023.12), dbSNP rs587647917, ClinGen allele CA1075720.
Genomic context (GRCh38, chr1:150,349,148, plus strand): 5'-TAGACTTGAATATTATTTGTTTAGAACCTGAATCTCAAGTCTAAGTCTGTAACAAGATTT[C>A]TCTTCCAGATGATGAGGAGTCTGATGAGGAAGCTGTGAAGAAAACCAACAAATGTGTACT-3'